The following is an entry in ClinVar:

ClinVar aggregate classification (germline): Conflicting classifications of pathogenicity. Review status: criteria provided, conflicting classifications (1 of 4 stars). 8 submissions from 8 submitters: Uncertain significance (6); Likely benign (1). 1 of the submissions does not count toward it. Last evaluated 2026-03-16.

Conditions:
Vesicoureteral reflux 8 (VUR8). Identifiers: Orphanet 289365, MedGen C4014831, MONDO:0014422, OMIM 615963.
Ehlers-Danlos syndrome due to tenascin-X deficiency (EDSCLL1). Also called: EDS DUE TO TNX DEFICIENCY; TNXB-Related Classical-Like Ehlers-Danlos Syndrome; TNX DEFICIENCY; EHLERS-DANLOS SYNDROME, CLASSIC-LIKE; Ehlers-Danlos syndrome, classic-like, 1. Identifiers: Orphanet 230839, MedGen C1848029, MONDO:0011670, OMIM 606408.
TNXB-related disorder. Also called: TNXB-related condition.
Cardiovascular phenotype. Identifiers: MedGen CN230736.
Ehlers-Danlos syndrome (EDS). Identifiers: Orphanet 98249, MedGen C0013720, MONDO:0020066.

Allele frequency attached by ClinVar (database versions not stated): ESP Exome Variant Server 0.00016; gnomAD exomes 0.00019; TOPMed 0.00019; ExAC 0.00020; gnomAD 0.00023 and 0.00024.
gnomAD v4.1: 406 of 1,613,306 alleles (0.025%); highest among the groups gnomAD compares: Non-Finnish European, 0.033%; no homozygotes.

Submissions (8):

Women's Health and Genetics/Laboratory Corporation of America, LabCorp
Classification: Uncertain significance. Last evaluated: 2026-03-16. Review status: criteria provided, single submitter. Criteria: LabCorp Variant Classification Summary - May 2015. Collection method: clinical testing. Allele origin: germline.
Comment: Variant summary: TNXB c.6211G>A (p.Gly2071Arg) results in a non-conservative amino acid change in the encoded protein sequence. Algorithms developed to predict the effect of missense changes on protein structure and function are either unavailable or do not agree on the potential impact of this missense change. The variant allele was found at a frequency of 0.00019 in 247792 control chromosomes. This frequency is not significantly higher than estimated for disease-causing variants in TNXB, allowing no conclusion about variant significance. To our knowledge, no occurrence of c.6211G>A in individuals affected with TNXB-related conditions and no experimental evidence demonstrating its impact on protein function have been reported. ClinVar contains an entry for this variant (Variation ID: 1217755). Based on the evidence outlined above, the variant was classified as uncertain significance.

Mayo Clinic Laboratories, Mayo Clinic
Classification: Uncertain significance. Last evaluated: 2025-06-17. Review status: criteria provided, single submitter. Criteria: ACMG Guidelines, 2015. Collection method: clinical testing. Allele origin: germline. Observed: 3 variant alleles.
Comment: BP4

GeneDx
Classification: Uncertain significance. Last evaluated: 2024-09-04. Review status: criteria provided, single submitter. Criteria: GeneDx Variant Classification Process June 2021. Collection method: clinical testing. Allele origin: germline. Affected: yes.
Comment: Has not been previously published as pathogenic or benign to our knowledge; In silico analysis supports that this missense variant has a deleterious effect on protein structure/function

Ambry Genetics
Classification: Likely benign for Cardiovascular phenotype. Last evaluated: 2024-08-30. Review status: criteria provided, single submitter. Criteria: Ambry Variant Classification Scheme 2023. Collection method: clinical testing. Allele origin: germline.

Fulgent Genetics
Classification: Uncertain significance for Ehlers-Danlos syndrome due to tenascin-X deficiency; Vesicoureteral reflux 8. Last evaluated: 2021-10-05. Review status: criteria provided, single submitter. Criteria: ACMG Guidelines, 2015. Collection method: clinical testing. Allele origin: unknown.

Genome Diagnostics Laboratory, The Hospital for Sick Children
Classification: Uncertain significance for Ehlers-Danlos syndrome. Last evaluated: 2019-12-01. Review status: criteria provided, single submitter. Criteria: ACMG Guidelines, 2015. Collection method: clinical testing. Allele origin: germline.

Breakthrough Genomics
Classification: Uncertain significance. Review status: criteria provided, single submitter. Criteria: ACMG Guidelines, 2015. Collection method: not provided. Allele origin: germline. Inheritance: Autosomal recessive inheritance. Affected: yes.

PreventionGenetics, part of Exact Sciences
Classification: Uncertain significance for TNXB-related condition. Last evaluated: 2024-07-10. Review status: no assertion criteria provided. Collection method: clinical testing. Allele origin: germline. Not counted in ClinVar's aggregate classification.
Comment: The TNXB c.6211G>A variant is predicted to result in the amino acid substitution p.Gly2071Arg. To our knowledge, this variant has not been reported in the literature. This variant is reported in 0.037% of alleles in individuals of European (Non-Finnish) descent in gnomAD. At this time, the clinical significance of this variant is uncertain due to the absence of conclusive functional and genetic evidence.

NM_001365276.2(TNXB):c.6211G>A (p.Gly2071Arg)

Gene: TNXB (tenascin XB; minus strand). Cytogenetic location: 6p21.33.
Variant type: single nucleotide variant.
Coding change: c.6211G>A on transcript NM_001365276.2 (MANE Select); coding-DNA position 6211, G replaced by A.
Protein change: p.Gly2071Arg; replaces glycine 2071 with arginine.
Molecular consequence: missense variant.
Genome position (GRCh38, 1-based): chr6:32,068,399, C>T on the plus strand (G>A on the coding strand, the complement: TNXB is on the minus strand). VCF-style: chr6-32068399-C-T. GRCh37 (hg19) VCF-style: chr6-32036176-C-T.
Other names: p.Gly2071Arg; c.6211G>A, p.Gly2071Arg (NM_019105.8); short protein forms G2071R.
Identifiers: ClinVar variation 1217755 (VCV001217755.19), dbSNP rs200319996, ClinGen allele CA3734507.
Genomic context (GRCh38, chr6:32,068,399, plus strand): 5'-GAGGGTGACCCTCCCATGGCTCCCACCCTGGGGCTCCCATCATCCACTCACCTGTCACCC[C>T]GACGACAGACACAGGGCCCATGCGCTGGCCACCGTGGAAGCCGTACAGGTTCATCTTGTA-3'
Protein context (NP_001352205.1, residues 2061-2081): GQRMGPVSVV[Gly2071Arg]VTAAEEETPS